The following is an entry in ClinVar:

NM_007375.4(TARDBP):c.1139G>A (p.Gly380Asp)

Gene: TARDBP (TAR DNA binding protein; plus strand). Cytogenetic location: 1p36.22.
Variant type: single nucleotide variant.
Coding change: c.1139G>A on transcript NM_007375.4 (MANE Select); coding-DNA position 1139, G replaced by A.
Protein change: p.Gly380Asp; replaces glycine 380 with aspartic acid.
Molecular consequence: missense variant.
Genome position (GRCh38, 1-based): chr1:11,022,548, G>A. VCF-style: chr1-11022548-G-A. GRCh37 (hg19) VCF-style: chr1-11082605-G-A.
Other names: short protein forms G380D.
Identifiers: ClinVar variation 3384668 (VCV003384668.2).

ClinVar aggregate classification (germline): Uncertain significance. Review status: criteria provided, multiple submitters, no conflicts (2 of 4 stars). 2 submissions from 2 submitters: Uncertain significance (2). Last evaluated 2025-05-09.

Conditions:
Amyotrophic lateral sclerosis type 10 (ALS10). Also called: AMYOTROPHIC LATERAL SCLEROSIS 10 WITHOUT FRONTOTEMPORAL DEMENTIA AND WITH TDP43 INCLUSIONS; AMYOTROPHIC LATERAL SCLEROSIS 10 WITH OR WITHOUT FRONTOTEMPORAL DEMENTIA AND WITH TDP43 INCLUSIONS; AMYOTROPHIC LATERAL SCLEROSIS 10 WITH OR WITHOUT FRONTOTEMPORAL DEMENTIA; TARDBP-Related Amyotrophic Lateral Sclerosis-Frontotemporal Dementia; Amyotrophic lateral sclerosis 10, with or without FTD. Identifiers: Orphanet 275872, Orphanet 803, MedGen C2677565, MONDO:0012790, OMIM 612069.
FRONTOTEMPORAL LOBAR DEGENERATION WITH TDP43 INCLUSIONS, TARDBP-RELATED. Also called: Frontotemporal lobar degeneration, TARDBP-related. Identifiers: MedGen C3150169, OMIM 612069.

Submissions (2):

Labcorp Genetics (formerly Invitae), Labcorp
Classification: Uncertain significance for Amyotrophic lateral sclerosis type 10; FRONTOTEMPORAL LOBAR DEGENERATION WITH TDP43 INCLUSIONS, TARDBP-RELATED. Last evaluated: 2025-05-09. Review status: criteria provided, single submitter. Criteria: Invitae Variant Classification Sherloc (09022015). Collection method: clinical testing. Allele origin: germline.
Comment: This sequence change replaces glycine, which is neutral and non-polar, with aspartic acid, which is acidic and polar, at codon 380 of the TARDBP protein (p.Gly380Asp). This variant is not present in population databases (gnomAD no frequency). This missense change has been observed in individual(s) with amyotrophic lateral sclerosis (PMID: 38261982; internal data). ClinVar contains an entry for this variant (Variation ID: 3384668). An algorithm developed to predict the effect of missense changes on protein structure and function (PolyPhen-2) suggests that this variant is likely to be disruptive. In summary, the available evidence is currently insufficient to determine the role of this variant in disease. Therefore, it has been classified as a Variant of Uncertain Significance.

Institute of Medical Genetics and Applied Genomics, University Hospital Tübingen
Classification: Uncertain significance for Amyotrophic lateral sclerosis type 10. Last evaluated: 2024-12-11. Review status: criteria provided, single submitter. Criteria: ACMG Guidelines, 2015. Collection method: clinical testing. Allele origin: germline. Inheritance: Autosomal dominant inheritance. Affected: yes.

Literature cited by the submitters: PubMed 38261982 (cited by Labcorp Genetics (formerly Invitae), Labcorp).